The following is an entry in ClinVar:

NM_017875.4(SLC25A38):c.276+249C>T

Gene: SLC25A38 (solute carrier family 25 member 38; plus strand). Cytogenetic location: 3p22.1.
Variant type: single nucleotide variant.
Coding change: c.276+249C>T on transcript NM_017875.4 (MANE Select); 249 bases into the intron after coding-DNA position 276, C replaced by T.
Molecular consequence: intron variant.
Genome position (GRCh38, 1-based): chr3:39,390,756, C>T. VCF-style: chr3-39390756-C-T. GRCh37 (hg19) VCF-style: chr3-39432247-C-T.
Other names: c.276+249C>T (NM_001354798.2).
Identifiers: ClinVar variation 671096 (VCV000671096.1), dbSNP rs2276715, ClinGen allele CA15255906.
Genomic context (GRCh38, chr3:39,390,756, plus strand): 5'-TGCTTAGATGTGATTTATTAGTGCAGCATAGTCTCTACAGCATAGGTACCTAATGTCCCA[C>T]CTGTCAGAATGCCCTTGCTCTTATCACTTCAGTAAAAGTGGGATGGTACCTCCACACCAG-3'

ClinVar aggregate classification (germline): Benign (1 of 4 stars; one submission).

Allele frequency attached by ClinVar (database versions not stated): TOPMed 0.37790; 1000 Genomes Project 30x 0.39397; 1000 Genomes Project 0.40296; gnomAD 0.40388.
gnomAD v4.1: 59,903 of 152,034 alleles (39%); highest among the groups gnomAD compares: East Asian, 60%; 14,283 homozygotes.

Submission:

GeneDx
Classification: Benign. Last evaluated: 2018-06-14. Review status: criteria provided, single submitter. Criteria: GeneDx Variant Classification (06012015). Collection method: clinical testing. Allele origin: germline. Affected: yes.
Comment: This variant is considered likely benign or benign based on one or more of the following criteria: it is a conservative change, it occurs at a poorly conserved position in the protein, it is predicted to be benign by multiple in silico algorithms, and/or has population frequency not consistent with disease.